The following is an entry in ClinVar:

NM_000883.4(IMPDH1):c.146+2T>G

Genes: IMPDH1 (inosine monophosphate dehydrogenase 1; minus strand), LOC129999258 (ATAC-STARR-seq lymphoblastoid silent region 18606; plus strand). Cytogenetic location: 7q32.1.
Variant type: single nucleotide variant.
Coding change: c.146+2T>G on transcript NM_000883.4 (MANE Select); the canonical splice donor site of the intron after coding-DNA position 146, T replaced by G.
Molecular consequence: splice donor variant.
Genome position (GRCh38, 1-based): chr7:128,409,754, A>C on the plus strand (T>G on the coding strand, the complement: IMPDH1 is on the minus strand). VCF-style: chr7-128409754-A-C. GRCh37 (hg19) VCF-style: chr7-128049808-A-C.
Other names: c.146+2T>G (NM_001304521.2, NM_183243.3, NM_001102605.2 and 1 more transcripts).
Identifiers: ClinVar variation 1911547 (VCV001911547.5), dbSNP rs1354063885, ClinGen allele CA369181619.

ClinVar aggregate classification (germline): Likely pathogenic (1 of 4 stars; one submission).

Allele frequency attached by ClinVar (database versions not stated): gnomAD exomes below 0.00001.
gnomAD v4.1: 5 of 1,522,976 alleles (0.00033%); highest among the groups gnomAD compares: Non-Finnish European, 0.00035%; no homozygotes.

Submission:

Labcorp Genetics (formerly Invitae), Labcorp
Classification: Likely pathogenic. Last evaluated: 2023-07-21. Review status: criteria provided, single submitter. Criteria: Invitae Variant Classification Sherloc (09022015). Collection method: clinical testing. Allele origin: germline.
Comment: This sequence change affects a donor splice site in intron 1 of the IMPDH1 gene. It is expected to disrupt RNA splicing. Variants that disrupt the donor or acceptor splice site typically lead to a loss of protein function (PMID: 16199547), and loss-of-function variants in IMPDH1 are known to be pathogenic (PMID: 14981049, 33090715). This variant is present in population databases (no rsID available, gnomAD 0.005%). This variant has not been reported in the literature in individuals affected with IMPDH1-related conditions. ClinVar contains an entry for this variant (Variation ID: 1911547). Algorithms developed to predict the effect of sequence changes on RNA splicing suggest that this variant may disrupt the consensus splice site. In summary, the currently available evidence indicates that the variant is pathogenic, but additional data are needed to prove that conclusively. Therefore, this variant has been classified as Likely Pathogenic.

Literature cited by the submitters: PubMed 16199547; PubMed 14981049; PubMed 33090715.